The following is an entry in ClinVar:

ClinVar aggregate classification (germline): Uncertain significance. Review status: criteria provided, multiple submitters, no conflicts (2 of 4 stars). 3 submissions from 3 submitters: Uncertain significance (3). Last evaluated 2025-08-30.

Conditions:
Inborn genetic diseases. Identifiers: MedGen C0950123, MeSH D030342.

Allele frequency attached by ClinVar (database versions not stated): ExAC 0.00009; 1000 Genomes Project 0.00040; 1000 Genomes Project 30x 0.00062; gnomAD 0.00007.
gnomAD v4.1: 18 of 1,574,638 alleles (0.0011%); highest among the groups gnomAD compares: African/African-American, 0.024%; no homozygotes.

Submissions (3):

Ambry Genetics
Classification: Uncertain significance for Inborn genetic diseases. Last evaluated: 2025-08-30. Review status: criteria provided, single submitter. Criteria: Ambry Variant Classification Scheme 2023. Collection method: clinical testing. Allele origin: germline.

GeneDx
Classification: Uncertain significance. Last evaluated: 2024-07-09. Review status: criteria provided, single submitter. Criteria: GeneDx Variant Classification Process June 2021. Collection method: clinical testing. Allele origin: germline. Affected: yes.
Comment: In silico analysis indicates that this missense variant does not alter protein structure/function; Has not been previously published as pathogenic or benign to our knowledge

Women's Health and Genetics/Laboratory Corporation of America, LabCorp
Classification: Uncertain significance. Last evaluated: 2023-06-13. Review status: criteria provided, single submitter. Criteria: LabCorp Variant Classification Summary - May 2015. Collection method: clinical testing. Allele origin: germline.
Comment: Variant summary: COCH c.73G>C (p.Glu25Gln) results in a conservative amino acid change in the encoded protein sequence. Four of five in-silico tools predict a benign effect of the variant on protein function. The variant allele was found at a frequency of 2.8e-05 in 175586 control chromosomes (gnomAD). The available data on variant occurrences in the general population are insufficient to allow any conclusion about variant significance. To our knowledge, no occurrence of c.73G>C in individuals affected with Hereditary hearing loss and deafness and no experimental evidence demonstrating its impact on protein function have been reported. No clinical diagnostic laboratories have submitted clinical-significance assessments for this variant to ClinVar after 2014. Based on the evidence outlined above, the variant was classified as uncertain significance.

NM_004086.3(COCH):c.73G>C (p.Glu25Gln)

Gene: COCH (cochlin; plus strand). Cytogenetic location: 14q12.
Variant type: single nucleotide variant.
Coding change: c.73G>C on transcript NM_004086.3 (MANE Select); coding-DNA position 73, G replaced by C.
Protein change: p.Glu25Gln; replaces glutamic acid 25 with glutamine.
Molecular consequence: missense variant.
Genome position (GRCh38, 1-based): chr14:30,875,094, G>C. VCF-style: chr14-30875094-G-C. GRCh37 (hg19) VCF-style: chr14-31344300-G-C.
Other names: c.73G>C, p.Glu25Gln (NM_001135058.2, NM_001347720.2); short protein forms E25Q.
Identifiers: ClinVar variation 2573515 (VCV002573515.3), dbSNP rs371802597, ClinGen allele CA7142910.